The following is an entry in ClinVar:

ClinVar aggregate classification (germline): Uncertain significance (1 of 4 stars; one submission).

Conditions:
Developmental and epileptic encephalopathy, 69. Also called: EPILEPTIC ENCEPHALOPATHY, EARLY INFANTILE, 69. Identifiers: MedGen C4748988, MONDO:0032657, OMIM 618285.

gnomAD v4.1: 1 of 1,613,694 alleles (0.000062%); highest among the groups gnomAD compares: South Asian, 0.0011%; no homozygotes.

Submission:

Servicio de Genética Del Instituto Nacional de Salud Del Niño, Ministerio de Salud
Classification: Uncertain significance for Developmental and epileptic encephalopathy, 69. Last evaluated: 2024-11-18. Review status: criteria provided, single submitter. Criteria: ACMG Guidelines, 2015. Collection method: clinical testing. Allele origin: germline. Inheritance: Autosomal dominant inheritance.
Comment: The variant NM_001205293.3:c.3976G>A, p.Glu1326Lys results in the substitution of glutamic acid with lysine at position 1326 in the protein. Glutamic acid is a negatively charged amino acid, whereas lysine is positively charged. This change may impact the protein’s function or stability. The variant is absent in population databases (PM2), indicating it is not commonly found in the general population, which raises suspicion of pathogenicity. However, there is insufficient functional or clinical evidence available to definitively determine the impact of this variant (PP2). Based on these factors, the variant is classified as uncertain significance.

NM_001205293.3(CACNA1E):c.3976G>A (p.Glu1326Lys)

Gene: CACNA1E (calcium voltage-gated channel subunit alpha1 E; plus strand). Cytogenetic location: 1q25.3.
Variant type: single nucleotide variant.
Coding change: c.3976G>A on transcript NM_001205293.3 (MANE Select); coding-DNA position 3976, G replaced by A.
Protein change: p.Glu1326Lys; replaces glutamic acid 1326 with lysine.
Molecular consequence: missense variant.
Genome position (GRCh38, 1-based): chr1:181,755,384, G>A. VCF-style: chr1-181755384-G-A. GRCh37 (hg19) VCF-style: chr1-181724520-G-A.
Other names: c.3976G>A, p.Glu1326Lys (NM_000721.4); c.3919G>A, p.Glu1307Lys (NM_001205294.2); short protein forms E1307K, E1326K.
Identifiers: ClinVar variation 3381240 (VCV003381240.2).